The following is an entry in ClinVar:

ClinVar aggregate classification (germline): Conflicting classifications of pathogenicity. Review status: criteria provided, conflicting classifications (1 of 4 stars). 2 submissions from 2 submitters: Uncertain significance (1); Benign (1). Last evaluated 2025-09-07.

Conditions:
Kabuki syndrome. Also called: Kabuki make-up syndrome; NIIKAWA-KUROKI SYNDROME. Identifiers: Orphanet 2322, MedGen C0796004, MONDO:0016512.
Kabuki syndrome 1 (KABUK1). Also called: KMT2D-Related Kabuki Syndrome. Identifiers: Orphanet 2322, MedGen CN030661, MONDO:0007843, OMIM 147920.

Allele frequency attached by ClinVar (database versions not stated): gnomAD 0.00001; ExAC 0.00002; gnomAD exomes 0.00002.
gnomAD v4.1: 83 of 1,612,962 alleles (0.0051%); highest among the groups gnomAD compares: Non-Finnish European, 0.0064%; no homozygotes.

Submissions (2):

Labcorp Genetics (formerly Invitae), Labcorp
Classification: Benign for Kabuki syndrome. Last evaluated: 2025-09-07. Review status: criteria provided, single submitter. Criteria: Invitae Variant Classification Sherloc (09022015). Collection method: clinical testing. Allele origin: germline.

UNC Molecular Genetics  Laboratory, University of North Carolina at Chapel Hill
Classification: Uncertain significance for Kabuki syndrome 1. Review status: criteria provided, single submitter. Criteria: ACMG Guidelines, 2015. Collection method: research. Allele origin: germline. Observed: 1 variant allele. Study: CSER_NCGENES_2.
Comment: KMT2D c.6314G>A [p.R2105H] is a missense variant that changes a single amino acid from an arginine to a histidine. This variant has not been previously reported in association with Kabuki syndrome and is of uncertain clinical significance.

NM_003482.4(KMT2D):c.6314G>A (p.Arg2105His)

Gene: KMT2D (lysine methyltransferase 2D; minus strand). Cytogenetic location: 12q13.12.
Variant type: single nucleotide variant.
Coding change: c.6314G>A on transcript NM_003482.4 (MANE Select); coding-DNA position 6314, G replaced by A.
Protein change: p.Arg2105His; replaces arginine 2105 with histidine.
Molecular consequence: missense variant.
Genome position (GRCh38, 1-based): chr12:49,041,456, C>T on the plus strand (G>A on the coding strand, the complement: KMT2D is on the minus strand). VCF-style: chr12-49041456-C-T. GRCh37 (hg19) VCF-style: chr12-49435239-C-T.
Other names: short protein forms R2105H.
Identifiers: ClinVar variation 973346 (VCV000973346.9), dbSNP rs772506992, ClinGen allele CA6547299.
Genomic context (GRCh38, chr12:49,041,456, plus strand): 5'-AAAATGGTGGGGGCAGCAGCGGGGGGCGGGCTGCCCAGTGCCCCTGGCTGCGGGGGAATG[C>T]GGAGATGTAGGGCCGGTCGGTCAGTCTTACGGGCTATGTCGCCCACCTTGGTCTGCTTGT-3'
Protein context (NP_003473.3, residues 2095-2115): RKTDRPALHL[Arg2105His]IPPQPGALGS